The following is an entry in ClinVar:

NM_004336.5(BUB1):c.2843G>A (p.Gly948Asp)

Gene: BUB1 (BUB1 mitotic checkpoint serine/threonine kinase; minus strand). Cytogenetic location: 2q13.
Variant type: single nucleotide variant.
Coding change: c.2843G>A on transcript NM_004336.5 (MANE Select); coding-DNA position 2843, G replaced by A.
Protein change: p.Gly948Asp; replaces glycine 948 with aspartic acid.
Molecular consequence: missense variant.
Genome position (GRCh38, 1-based): chr2:110,641,146, C>T on the plus strand (G>A on the coding strand, the complement: BUB1 is on the minus strand). VCF-style: chr2-110641146-C-T. GRCh37 (hg19) VCF-style: chr2-111398723-C-T.
Other names: c.2783G>A, p.Gly928Asp (NM_001278616.2); c.2672G>A, p.Gly891Asp (NM_001278617.2); short protein forms G948D, G891D, G928D.
Identifiers: ClinVar variation 2565789 (VCV002565789.2), dbSNP rs2467970389, ClinGen allele CA348089176.

ClinVar aggregate classification (germline): Uncertain significance (1 of 4 stars; one submission).

Allele frequency attached by ClinVar (database versions not stated): gnomAD exomes below 0.00001.
gnomAD v4.1: 1 of 1,613,104 alleles (0.000062%); highest among the groups gnomAD compares: Non-Finnish European, 0.000085%; no homozygotes.

Submission:

Ambry Genetics
Classification: Uncertain significance. Last evaluated: 2023-04-09. Review status: criteria provided, single submitter. Criteria: Ambry Variant Classification Scheme 2023. Collection method: clinical testing. Allele origin: germline.
Comment: The p.G948D variant (also known as c.2843G>A), located in coding exon 23 of the BUB1 gene, results from a G to A substitution at nucleotide position 2843. The glycine at codon 948 is replaced by aspartic acid, an amino acid with similar properties. This amino acid position is conserved. In addition, this alteration is predicted to be deleterious by in silico analysis. Since supporting evidence is limited at this time, the clinical significance of this alteration remains unclear.